The following is an entry in ClinVar:

NM_003620.4(PPM1D):c.131C>G (p.Ser44Trp)

Gene: PPM1D (protein phosphatase, Mg2+/Mn2+ dependent 1D; plus strand). Cytogenetic location: 17q23.2.
Variant type: single nucleotide variant.
Coding change: c.131C>G on transcript NM_003620.4 (MANE Select); coding-DNA position 131, C replaced by G.
Protein change: p.Ser44Trp; replaces serine 44 with tryptophan.
Molecular consequence: missense variant.
Genome position (GRCh38, 1-based): chr17:60,600,545, C>G. VCF-style: chr17-60600545-C-G. GRCh37 (hg19) VCF-style: chr17-58677906-C-G.
Other names: short protein forms S44W.
Identifiers: ClinVar variation 1049549 (VCV001049549.31), dbSNP rs373862041, ClinGen allele CA8687533.

ClinVar aggregate classification (germline): Conflicting classifications of pathogenicity. Review status: criteria provided, conflicting classifications (1 of 4 stars). 5 submissions from 5 submitters: Uncertain significance (1); Benign (1); Likely benign (2). 1 of the submissions does not count toward it. Last evaluated 2025-11-02.

Conditions:
Intellectual developmental disorder with gastrointestinal difficulties and high pain threshold (JDVS). Also called: JANSEN-DE VRIES SYNDROME. Identifiers: Orphanet 653767, MedGen C4479517, MONDO:0044318, OMIM 617450.

Allele frequency attached by ClinVar (database versions not stated): ESP Exome Variant Server 0.00016; ExAC 0.00018; TOPMed 0.00027; gnomAD 0.00036 and 0.00037.
gnomAD v4.1: 620 of 1,553,936 alleles (0.04%); highest among the groups gnomAD compares: Non-Finnish European, 0.048%; 2 homozygotes.

Submissions (5):

Labcorp Genetics (formerly Invitae), Labcorp
Classification: Benign. Last evaluated: 2025-11-02. Review status: criteria provided, single submitter. Criteria: Invitae Variant Classification Sherloc (09022015). Collection method: clinical testing. Allele origin: germline.

CeGaT Center for Human Genetics Tuebingen
Classification: Likely benign. Last evaluated: 2025-11-01. Review status: criteria provided, single submitter. Criteria: CeGaT Center For Human Genetics Tuebingen Variant Classification Criteria Version 2. Collection method: clinical testing. Allele origin: germline. Affected: yes. Observed: 4 variant alleles.
Comment: PPM1D: PP2, BS1

Blueprint Genetics
Classification: Likely benign. Last evaluated: 2024-10-02. Review status: criteria provided, single submitter. Criteria: ACMG Guidelines, 2015. Collection method: clinical testing. Allele origin: germline.

Revvity Omics, Revvity
Classification: Uncertain significance for Intellectual developmental disorder with gastrointestinal difficulties and high pain threshold. Last evaluated: 2019-05-01. Review status: criteria provided, single submitter. Criteria: ACMG Guidelines, 2015. Collection method: clinical testing. Allele origin: germline.

Department of Pathology and Laboratory Medicine, Sinai Health System
Classification: Uncertain significance. Review status: no assertion criteria provided. Collection method: clinical testing. Allele origin: unknown. Affected: yes. Study: The Canadian Open Genetics Repository (COGR). Not counted in ClinVar's aggregate classification.
Comment: The PPM1D p.S44W variant was not identified in the literature nor was it identified in ClinVar.Â¬â€ The variant was identified in dbSNP (ID: rs373862041) and in control databases in 55 of 181610 chromosomes at a frequency of 0.0003028, and was observed at the highest allele count in the European (non-Finnish) population in 39 of 71508 chromosomes (freq: 0.0005454) (Genome Aggregation Database March 6, 2019, v2.1.1).Â¬â€ The p.S44 residue is not conserved in mammals and computational analyses (MUT Assesor, PolyPhen-2, SIFT, MutationTaster, Revel, FATHMM, MetaLR, DANN) do not suggest a high likelihood of impact to the protein; however this information is not predictive enough to rule out pathogenicity.Â¬â€ The variant occurs outside of the splicing consensus sequence and in silico or computational prediction software programs (Splice AI exome) do not predict a difference in splicing.Â¬â€ In summary, based on the above information the clinical significance of this variant cannot be determined with certainty at this time. This variant is classified as a variant of uncertain significance.